The following is an entry in ClinVar:

NM_017636.4(TRPM4):c.2446C>G (p.Leu816Val)

Gene: TRPM4 (transient receptor potential cation channel subfamily M member 4; plus strand). Cytogenetic location: 19q13.33.
Variant type: single nucleotide variant.
Coding change: c.2446C>G on transcript NM_017636.4 (MANE Select); coding-DNA position 2446, C replaced by G.
Protein change: p.Leu816Val; replaces leucine 816 with valine.
Molecular consequence: missense variant. On other transcripts: intron variant (1).
Genome position (GRCh38, 1-based): chr19:49,196,675, C>G. VCF-style: chr19-49196675-C-G. GRCh37 (hg19) VCF-style: chr19-49699932-C-G.
Other names: c.2101C>G, p.Leu701Val (NM_001321281.2); c.838C>G, p.Leu280Val (NM_001321282.2); c.1924C>G, p.Leu642Val (NM_001321283.2); c.1384C>G, p.Leu462Val (NM_001321285.2); c.2211-3625C>G (NM_001195227.2); short protein forms L462V, L816V, L642V, L701V, L280V.
Identifiers: ClinVar variation 3329233 (VCV003329233.1).

ClinVar aggregate classification (germline): Uncertain significance (1 of 4 stars; one submission).

Conditions:
Cardiovascular phenotype. Identifiers: MedGen CN230736.

Submission:

Ambry Genetics
Classification: Uncertain significance for Cardiovascular phenotype. Last evaluated: 2024-04-09. Review status: criteria provided, single submitter. Criteria: Ambry Variant Classification Scheme 2023. Collection method: clinical testing. Allele origin: germline.
Comment: The p.L816V variant (also known as c.2446C>G), located in coding exon 17 of the TRPM4 gene, results from a C to G substitution at nucleotide position 2446. The leucine at codon 816 is replaced by valine, an amino acid with highly similar properties. This amino acid position is conserved. In addition, this alteration is predicted to be tolerated by in silico analysis. Based on the available evidence, the clinical significance of this variant remains unclear.